The following is an entry in ClinVar:

NM_001458.5(FLNC):c.5685C>T (p.Ala1895=)

Genes: FLNC (filamin C; plus strand), FLNC-AS1 (FLNC antisense RNA 1; minus strand). Cytogenetic location: 7q32.1.
Variant type: single nucleotide variant.
Coding change: c.5685C>T on transcript NM_001458.5 (MANE Select); coding-DNA position 5685, C replaced by T.
Protein change: p.Ala1895=; no amino-acid change (alanine 1895 retained).
Molecular consequence: synonymous variant. On other transcripts: non-coding transcript variant (1).
Genome position (GRCh38, 1-based): chr7:128,851,471, C>T. VCF-style: chr7-128851471-C-T. GRCh37 (hg19) VCF-style: chr7-128491525-C-T.
Other names: c.5586C>T, p.Ala1862= (NM_001127487.2).
Identifiers: ClinVar variation 1102372 (VCV001102372.13), dbSNP rs1219372997, ClinGen allele CA457849114.

ClinVar aggregate classification (germline): Likely benign. Review status: criteria provided, multiple submitters, no conflicts (2 of 4 stars). 3 submissions from 3 submitters: Likely benign (2). 1 of the submissions does not count toward it. Last evaluated 2025-08-05.

Conditions:
Cardiovascular phenotype. Identifiers: MedGen CN230736.
FLNC-related disorder. Also called: FLNC-related condition; FLNC-related disorders.
Distal myopathy with posterior leg and anterior hand involvement. Also called: WILLIAMS DISTAL MYOPATHY. Identifiers: Orphanet 63273, MedGen C3279722, MONDO:0013550, OMIM 614065.
Myofibrillar myopathy 5. Also called: Filaminopathy (type); FILAMINOPATHY, AUTOSOMAL DOMINANT. Identifiers: Orphanet 171445, MedGen C1836050, MONDO:0012289, OMIM 609524.
Hypertrophic cardiomyopathy 26. Also called: Cardiomyopathy, familial hypertrophic, 26. Identifiers: Orphanet 75249, MedGen C4310749, MONDO:0014883, OMIM 617047.

Allele frequency attached by ClinVar (database versions not stated): gnomAD exomes below 0.00001 and 0.00001; TOPMed below 0.00001; gnomAD 0.00001.
gnomAD v4.1: 21 of 1,613,860 alleles (0.0013%); highest among the groups gnomAD compares: East Asian, 0.016%; no homozygotes.

Submissions (3):

Labcorp Genetics (formerly Invitae), Labcorp
Classification: Likely benign for Distal myopathy with posterior leg and anterior hand involvement; Myofibrillar myopathy 5; Hypertrophic cardiomyopathy 26. Last evaluated: 2025-08-05. Review status: criteria provided, single submitter. Criteria: Invitae Variant Classification Sherloc (09022015). Collection method: clinical testing. Allele origin: germline.

Ambry Genetics
Classification: Likely benign for Cardiovascular phenotype. Last evaluated: 2019-11-11. Review status: criteria provided, single submitter. Criteria: Ambry Variant Classification Scheme 2023. Collection method: clinical testing. Allele origin: germline.

PreventionGenetics, part of Exact Sciences
Classification: Likely benign for FLNC-related condition. Last evaluated: 2022-03-09. Review status: no assertion criteria provided. Collection method: clinical testing. Allele origin: germline. Not counted in ClinVar's aggregate classification.
Comment: This variant is classified as likely benign based on ACMG/AMP sequence variant interpretation guidelines (Richards et al. 2015 PMID: 25741868, with internal and published modifications).